The following is an entry in ClinVar:

NM_001080449.3(DNA2):c.876C>A (p.Tyr292Ter)

Gene: DNA2 (DNA replication helicase/nuclease 2; minus strand). Cytogenetic location: 10q21.3.
Variant type: single nucleotide variant.
Coding change: c.876C>A on transcript NM_001080449.3 (MANE Select); coding-DNA position 876, C replaced by A.
Protein change: p.Tyr292Ter; replaces tyrosine 292 with a stop codon.
Molecular consequence: nonsense. On other transcripts: non-coding transcript variant (1).
Genome position (GRCh38, 1-based): chr10:68,450,091, G>T on the plus strand (C>A on the coding strand, the complement: DNA2 is on the minus strand). VCF-style: chr10-68450091-G-T. GRCh37 (hg19) VCF-style: chr10-70209848-G-T.
Other names: short protein forms Y292*.
Identifiers: ClinVar variation 1709661 (VCV001709661.2), dbSNP rs575286619, ClinGen allele CA376863750.

ClinVar aggregate classification (germline): Uncertain significance (1 of 4 stars; one submission).

Conditions:
Mitochondrial DNA deletion syndrome with progressive myopathy. Also called: Progressive external ophthalmoplegia with mitochondrial DNA deletions, autosomal dominant 6; PROGRESSIVE EXTERNAL OPHTHALMOPLEGIA, AUTOSOMAL DOMINANT 6. Identifiers: Orphanet 352470, MedGen C3554599, MONDO:0014062, OMIM 615156.

Submission:

MGZ Medical Genetics Center
Classification: Uncertain significance for Mitochondrial DNA deletion syndrome with progressive myopathy. Last evaluated: 2022-07-26. Review status: criteria provided, single submitter. Criteria: ACMG Guidelines, 2015. Collection method: clinical testing. Allele origin: germline. Affected: yes. Observed: 1 variant allele.
Comment: ACMG criteria applied: PVS1_MOD, PM2_SUP